The following is an entry in ClinVar:

NM_000535.7(PMS2):c.1530C>T (p.Asp510=)

Gene: PMS2 (PMS1 homolog 2, mismatch repair system component; minus strand). Cytogenetic location: 7p22.1.
Variant type: single nucleotide variant.
Coding change: c.1530C>T on transcript NM_000535.7 (MANE Select); coding-DNA position 1530, C replaced by T.
Protein change: p.Asp510=; no amino-acid change (aspartic acid 510 retained).
Molecular consequence: synonymous variant. On other transcripts: non-coding transcript variant (1).
Genome position (GRCh38, 1-based): chr7:5,987,235, G>A on the plus strand (C>T on the coding strand, the complement: PMS2 is on the minus strand). VCF-style: chr7-5987235-G-A. GRCh37 (hg19) VCF-style: chr7-6026866-G-A.
Other names: c.1125C>T, p.Asp375= (NM_001322003.2, NM_001322004.2, NM_001322005.2 and 1 more transcripts); c.1374C>T, p.Asp458= (NM_001322006.2); c.1212C>T, p.Asp404= (NM_001322007.2, NM_001322008.2); c.969C>T, p.Asp323= (NM_001322010.2); c.597C>T, p.Asp199= (NM_001322011.2, NM_001322012.2); c.957C>T, p.Asp319= (NM_001322013.2); c.1530C>T, p.Asp510= (NM_001322014.2); c.1221C>T, p.Asp407= (NM_001322015.2); and 1 more.
Identifiers: ClinVar variation 922121 (VCV000922121.14), dbSNP rs63750826, ClinGen allele CA044179.

ClinVar aggregate classification (germline): Benign/Likely benign. Review status: criteria provided, multiple submitters, no conflicts (2 of 4 stars). 5 submissions from 5 submitters: Benign (1); Likely benign (4). Last evaluated 2025-01-30.

Conditions:
Hereditary nonpolyposis colorectal neoplasms. Identifiers: MedGen C0009405, MeSH D003123.
Lynch syndrome. Identifiers: Orphanet 144, MedGen C4552100, MONDO:0005835. Disease mechanism: loss of function.
Lynch syndrome 4 (LYNCH4). Also called: Colorectal cancer, hereditary nonpolyposis, type 4; Hereditary non-polyposis colorectal cancer, type 4. Identifiers: Orphanet 144, MedGen C1838333, MONDO:0013699, OMIM 614337. Disease mechanism: loss of function.
Hereditary cancer-predisposing syndrome. Also called: Neoplastic Syndromes, Hereditary; Tumor predisposition; Hereditary Cancer Syndrome; Hereditary neoplastic syndrome. Identifiers: Orphanet 140162, MedGen C0027672, MeSH D009386, MONDO:0015356.

Allele frequency attached by ClinVar (database versions not stated): gnomAD exomes below 0.00001 and 0.00001; ExAC 0.00002.

Submissions (5):

Myriad Genetics, Inc.
Classification: Benign for Lynch syndrome 4. Last evaluated: 2025-01-30. Review status: criteria provided, single submitter. Criteria: Myriad Autosomal Dominant, Autosomal Recessive and X-Linked Classification Criteria (2023). Collection method: clinical testing. Allele origin: unknown.
Comment: This variant is considered benign. This variant is a silent/synonymous amino acid change and it is not expected to impact splicing.

All of Us Research Program, National Institutes of Health
Classification: Likely benign for Lynch syndrome. Last evaluated: 2023-11-20. Review status: criteria provided, single submitter. Criteria: ACMG Guidelines, 2015. Collection method: clinical testing. Allele origin: germline. Inheritance: Autosomal dominant inheritance. Observed: 2 variant alleles, 2 heterozygotes.
Comment: This study involves interpretation of variants in research participants for the purpose of population health screening. Participant phenotype was not available at the time of variant classification. Additional details can be found in publication PMID: 35346344, PMCID: PMC8962531

Ambry Genetics
Classification: Likely benign for Hereditary cancer-predisposing syndrome. Last evaluated: 2023-01-22. Review status: criteria provided, single submitter. Criteria: Ambry Variant Classification Scheme 2023. Collection method: clinical testing. Allele origin: germline.

Labcorp Genetics (formerly Invitae), Labcorp
Classification: Likely benign for Hereditary nonpolyposis colorectal neoplasms. Last evaluated: 2022-11-09. Review status: criteria provided, single submitter. Criteria: Invitae Variant Classification Sherloc (09022015). Collection method: clinical testing. Allele origin: germline.

Color Diagnostics, LLC DBA Color Health
Classification: Likely benign for Hereditary cancer-predisposing syndrome. Last evaluated: 2019-04-03. Review status: criteria provided, single submitter. Criteria: ACMG Guidelines, 2015. Collection method: clinical testing. Allele origin: germline.